The following is an entry in ClinVar:

ClinVar aggregate classification (germline): Uncertain significance. Review status: criteria provided, multiple submitters, no conflicts (2 of 4 stars). 3 submissions from 3 submitters: Uncertain significance (2). 1 of the submissions does not count toward it. Last evaluated 2025-12-17.

Conditions:
Craniofacial anomalies and anterior segment dysgenesis syndrome (CAASDS). Identifiers: MedGen C3280099, MONDO:0013618, OMIM 614195.

Allele frequency attached by ClinVar (database versions not stated): gnomAD exomes 0.00005 and 0.00010; ExAC 0.00026; gnomAD 0.00063 and 0.00064; TOPMed 0.00067; 1000 Genomes Project 0.00120.
gnomAD v4.1: 163 of 1,550,320 alleles (0.011%); highest among the groups gnomAD compares: African/African-American, 0.2%; 1 homozygote.

Submissions (3):

Labcorp Genetics (formerly Invitae), Labcorp
Classification: Uncertain significance. Last evaluated: 2025-12-17. Review status: criteria provided, single submitter. Criteria: Invitae Variant Classification Sherloc (09022015). Collection method: clinical testing. Allele origin: germline.
Comment: This sequence change replaces alanine, which is neutral and non-polar, with serine, which is neutral and polar, at codon 256 of the VSX1 protein (p.Ala256Ser). This variant is present in population databases (rs74315435, gnomAD 0.2%), and has an allele count higher than expected for a pathogenic variant. This missense change has been observed in individual(s) with craniofacial anomalies, anterior segment dysgenesis, and/or keratoconus (PMID: 15051220, 30535423). ClinVar contains an entry for this variant (Variation ID: 5250). Invitae Evidence Modeling of protein sequence and biophysical properties (such as structural, functional, and spatial information, amino acid conservation, physicochemical variation, residue mobility, and thermodynamic stability) indicates that this missense variant is not expected to disrupt VSX1 protein function with a negative predictive value of 80%. In summary, the available evidence is currently insufficient to determine the role of this variant in disease. Therefore, it has been classified as a Variant of Uncertain Significance.

Mendelics
Classification: Uncertain significance. Last evaluated: 2022-05-04. Review status: criteria provided, single submitter. Criteria: Mendelics Assertion Criteria 2019. Collection method: clinical testing. Allele origin: germline.

OMIM
Classification: Pathogenic for CRANIOFACIAL ANOMALIES AND ANTERIOR SEGMENT DYSGENESIS SYNDROME (1 family). Last evaluated: 2004-04-01. Review status: no assertion criteria provided. Collection method: literature only. Allele origin: germline. Not counted in ClinVar's aggregate classification.

Literature cited by the submitters: PubMed 15051220 (cited by Labcorp Genetics (formerly Invitae), Labcorp and OMIM); PubMed 30535423 (cited by Labcorp Genetics (formerly Invitae), Labcorp).

NM_014588.6(VSX1):c.766G>T (p.Ala256Ser)

Gene: VSX1 (visual system homeobox 1; minus strand). Cytogenetic location: 20p11.21.
Variant type: single nucleotide variant.
Coding change: c.766G>T on transcript NM_014588.6 (MANE Select); coding-DNA position 766, G replaced by T.
Protein change: p.Ala256Ser; replaces alanine 256 with serine.
Molecular consequence: missense variant. On other transcripts: non-coding transcript variant (4), intron variant (1).
Genome position (GRCh38, 1-based): chr20:25,077,727, C>A on the plus strand (G>T on the coding strand, the complement: VSX1 is on the minus strand). VCF-style: chr20-25077727-C-A. GRCh37 (hg19) VCF-style: chr20-25058363-C-A.
Other names: c.766G>T, p.Ala256Ser (NM_001256272.2); c.73G>T, p.Ala25Ser (NM_001378633.1); c.627+1102G>T (NM_001256271.2); short protein forms A256S, A25S.
Identifiers: ClinVar variation 5250 (VCV000005250.5), dbSNP rs74315435, ClinGen allele CA117358.